The following is an entry in ClinVar:

ClinVar aggregate classification (germline): Uncertain significance (1 of 4 stars; one submission).

Conditions:
Emery-Dreifuss muscular dystrophy 5, autosomal dominant (EDMD5). Also called: EMERY-DREIFUSS MUSCULAR DYSTROPHY 5. Identifiers: Orphanet 261, MedGen C2751805, MONDO:0013072, OMIM 612999.

Submission:

Labcorp Genetics (formerly Invitae), Labcorp
Classification: Uncertain significance for Emery-Dreifuss muscular dystrophy 5, autosomal dominant. Last evaluated: 2022-10-18. Review status: criteria provided, single submitter. Criteria: Invitae Variant Classification Sherloc (09022015). Collection method: clinical testing. Allele origin: germline.
Comment: In summary, the available evidence is currently insufficient to determine the role of this variant in disease. Therefore, it has been classified as a Variant of Uncertain Significance. Algorithms developed to predict the effect of missense changes on protein structure and function are either unavailable or do not agree on the potential impact of this missense change (SIFT: "Deleterious"; PolyPhen-2: "Probably Damaging"; Align-GVGD: "Class C0"). This variant has not been reported in the literature in individuals affected with SYNE2-related conditions. This variant is not present in population databases (gnomAD no frequency). This sequence change replaces leucine, which is neutral and non-polar, with valine, which is neutral and non-polar, at codon 635 of the SYNE2 protein (p.Leu635Val).

NM_182914.3(SYNE2):c.1903T>G (p.Leu635Val)

Gene: SYNE2 (spectrin repeat containing nuclear envelope protein 2; plus strand). Cytogenetic location: 14q23.2.
Variant type: single nucleotide variant.
Coding change: c.1903T>G on transcript NM_182914.3 (MANE Select); coding-DNA position 1903, T replaced by G.
Protein change: p.Leu635Val; replaces leucine 635 with valine.
Molecular consequence: missense variant.
Genome position (GRCh38, 1-based): chr14:63,982,696, T>G. VCF-style: chr14-63982696-T-G. GRCh37 (hg19) VCF-style: chr14-64449414-T-G.
Other names: c.1903T>G, p.Leu635Val (NM_015180.6); short protein forms L635V.
Identifiers: ClinVar variation 2102195 (VCV002102195.4), dbSNP rs1186041413, ClinGen allele CA389963067.
Genomic context (GRCh38, chr14:63,982,696, plus strand): 5'-TTTGAGACACTAGCCCAGTGGAATCTAGAACACGCTACTTTAAATGAAGCAGGAAATTTC[T>G]TAGTCGAAGTCAGCAATGATGTGGTTGGATCATCTATTTCTAAAGAACTGAGAAGGCTGA-3'
Protein context (NP_878918.2, residues 625-645): HATLNEAGNF[Leu635Val]VEVSNDVVGS